The following is an entry in ClinVar:

NM_000038.6(APC):c.3861dup (p.Gly1288fs)

Gene: APC (APC regulator of Wnt signaling pathway; plus strand). Cytogenetic location: 5q22.2.
Variant type: Duplication.
Coding change: c.3861dup on transcript NM_000038.6 (MANE Select); coding-DNA position 3861, one base duplicated (A; older notation c.3861dupA).
Protein change: p.Gly1288fs; shifts the reading frame from glycine 1288.
Molecular consequence: frameshift variant.
Genome position (GRCh38, 1-based): chr5:112,839,455, A duplicated. VCF-style (leftmost placement, unchanged base first): chr5-112839454-T-TA. GRCh37 (hg19) VCF-style: chr5-112175151-T-TA.
Other names: c.3861dup, p.Gly1288fs (NM_001127510.3, NM_001354895.2); c.3807dup, p.Gly1270fs (NM_001127511.3); c.3915dup, p.Gly1306fs (NM_001354896.2); c.3891dup, p.Gly1298fs (NM_001354897.2); c.3786dup, p.Gly1263fs (NM_001354898.2); c.3777dup, p.Gly1260fs (NM_001354899.2); c.3738dup, p.Gly1247fs (NM_001354900.2); c.3684dup, p.Gly1229fs (NM_001354901.2); and 5 more; short protein forms G1162fs, G1263fs, G1298fs, G1197fs, G1270fs, G1187fs, G1229fs, G1260fs.
Identifiers: ClinVar variation 824316 (VCV000824316.4), dbSNP rs1580640910, ClinGen allele CA445963751.

ClinVar aggregate classification (germline): Pathogenic (1 of 4 stars; one submission).

Conditions:
Hereditary cancer-predisposing syndrome. Also called: Neoplastic Syndromes, Hereditary; Tumor predisposition; Hereditary neoplastic syndrome; Hereditary Cancer Syndrome. Identifiers: Orphanet 140162, MedGen C0027672, MeSH D009386, MONDO:0015356.

Submission:

Ambry Genetics
Classification: Pathogenic for Hereditary cancer-predisposing syndrome. Last evaluated: 2018-11-08. Review status: criteria provided, single submitter. Criteria: Ambry Variant Classification Scheme 2023. Collection method: clinical testing. Allele origin: germline.
Comment: The c.3861dupA pathogenic mutation, located in coding exon 15 of the APC gene, results from a duplication of A at nucleotide position 3861, causing a translational frameshift with a predicted alternate stop codon (p.G1288Rfs*3). This alteration is expected to result in loss of function by premature protein truncation. As such, this alteration is interpreted as a disease-causing mutation.